The following is an entry in ClinVar:

NM_018518.5(MCM10):c.1518A>T (p.Gly506=)

Gene: MCM10 (minichromosome maintenance 10 replication initiation factor; plus strand). Cytogenetic location: 10p13.
Variant type: single nucleotide variant.
Coding change: c.1518A>T on transcript NM_018518.5 (MANE Select); coding-DNA position 1518, A replaced by T.
Protein change: p.Gly506=; no amino-acid change (glycine 506 retained).
Molecular consequence: synonymous variant.
Genome position (GRCh38, 1-based): chr10:13,192,256, A>T. VCF-style: chr10-13192256-A-T. GRCh37 (hg19) VCF-style: chr10-13234256-A-T.
Other names: c.1521A>T, p.Gly507= (NM_182751.3).
Identifiers: ClinVar variation 2640313 (VCV002640313.24), dbSNP rs2131579425, ClinGen allele CA468247748.

ClinVar aggregate classification (germline): Likely benign (1 of 4 stars; one submission).

Allele frequency attached by ClinVar (database versions not stated): gnomAD exomes below 0.00001.
gnomAD v4.1: 2 of 1,608,690 alleles (0.00012%); highest among the groups gnomAD compares: Non-Finnish European, 0.00017%; no homozygotes.

Submission:

CeGaT Center for Human Genetics Tuebingen
Classification: Likely benign. Last evaluated: 2022-06-01. Review status: criteria provided, single submitter. Criteria: CeGaT Center For Human Genetics Tuebingen Variant Classification Criteria Version 2. Collection method: clinical testing. Allele origin: germline. Affected: yes. Observed: 1 variant allele.
Comment: MCM10: PM2:Supporting, BP4, BP7